The following is an entry in ClinVar:

ClinVar aggregate classification (germline): Likely pathogenic (1 of 4 stars; one submission).

Submissions (2):

GeneDx
Classification: Likely pathogenic. Last evaluated: 2016-12-23. Review status: criteria provided, single submitter. Criteria: GeneDx Variant Classification (06012015). Collection method: clinical testing. Allele origin: germline. Affected: yes.
Comment: Although the c.7132+2 T>C likely pathogenic variant in the FLNA gene has not been reported as a pathogenic variant or as a benign variant to our knowledge, it destroys the canonical splice donor site in intron 43 and is predicted to cause abnormal gene splicing. This variant is predicted to lead to either an abnormal message that is subject to nonsense-mediated mRNA decay, or to an abnormal protein product if the message is used for protein translation. Multiple other splice site variants in the FLNA gene have been reported in HGMD in association with periventricular heterotopia (Stenson et al., 2014). Furthermore, the c.7132+2 T>C variant was not observed in approximately 6,300 individuals of European and African American ancestry in the NHLBI Exome Sequencing Project, or in the Exome Aggregation Consortium (ExAC), indicating it is not a common benign variant in these populations.In summary, c.7132+2 T>C in the FLNA gene is expected to be pathogenic, as loss of function variants in this gene are strongly associated with this phenotype.

Dr. Peter K. Rogan Lab, Western University
No classification provided (evidence only). Condition: Thyroid cancer, nonmedullary, 1. Review status: no classification provided. Collection method: in vitro. Allele origin: not applicable. Functional consequence: skipped exon. Not counted in ClinVar's aggregate classification.

NM_001110556.2(FLNA):c.7156+2T>C

Gene: FLNA (filamin A; minus strand). Cytogenetic location: Xq28.
Variant type: single nucleotide variant.
Coding change: c.7156+2T>C on transcript NM_001110556.2 (MANE Select); the canonical splice donor site of the intron after coding-DNA position 7156, T replaced by C.
Molecular consequence: splice donor variant.
Genome position (GRCh38, 1-based): chrX:154,350,907, A>G on the plus strand (T>C on the coding strand, the complement: FLNA is on the minus strand). VCF-style: chrX-154350907-A-G. GRCh37 (hg19) VCF-style: chrX-153579275-A-G.
Other names: NC_000023.10:g.153579275A>G; c.7132+2T>C (NM_001456.4).
Identifiers: ClinVar variation 392166 (VCV000392166.3), dbSNP rs1057524378, ClinGen allele CA16608796.